The following is an entry in ClinVar:

ClinVar aggregate classification (germline): Likely pathogenic (1 of 4 stars; one submission).

Conditions:
Brachydactyly type A1. Also called: FARABEE-TYPE BRACHYDACTYLY; SHORT STATURE WITH NONSPECIFIC SKELETAL ABNORMALITIES 2. Identifiers: Orphanet 93388, MedGen C1862151, MONDO:0007215, OMIM 112500, HP:0009371.

Submission:

3billion
Classification: Likely pathogenic for Brachydactyly type A1. Last evaluated: 2023-06-14. Review status: criteria provided, single submitter. Criteria: ACMG Guidelines, 2015. Collection method: clinical testing. Allele origin: germline. Affected: yes.
Comment: The variant is not observed in the gnomAD v2.1.1 dataset. Predicted Consequence/Location: Stop-gained (nonsense): predicted to result in a loss or disruption of normal protein function through nonsense-mediated decay (NMD) or protein truncation. Multiple pathogenic variants are reported downstream of the variant. Therefore, this variant is classified as Likely pathogenic according to the recommendation of ACMG/AMP guideline.

NM_002181.4(IHH):c.419C>G (p.Ser140Ter)

Gene: IHH (Indian hedgehog signaling molecule; minus strand). Cytogenetic location: 2q35.
Variant type: single nucleotide variant.
Coding change: c.419C>G on transcript NM_002181.4 (MANE Select); coding-DNA position 419, C replaced by G.
Protein change: p.Ser140Ter; replaces serine 140 with a stop codon.
Molecular consequence: nonsense.
Genome position (GRCh38, 1-based): chr2:219,057,591, G>C on the plus strand (C>G on the coding strand, the complement: IHH is on the minus strand). VCF-style: chr2-219057591-G-C. GRCh37 (hg19) VCF-style: chr2-219922313-G-C.
Other names: short protein forms S140*.
Identifiers: ClinVar variation 3775689 (VCV003775689.1).